The following is an entry in ClinVar:

ClinVar aggregate classification (germline): Uncertain significance (1 of 4 stars; one submission).

Allele frequency attached by ClinVar (database versions not stated): 1000 Genomes Project 30x 0.00016; 1000 Genomes Project 0.00020; gnomAD 0.00016; ESP Exome Variant Server 0.00046; TOPMed 0.00020.
gnomAD v4.1: 230 of 1,614,112 alleles (0.014%); highest among the groups gnomAD compares: African/African-American, 0.032%; no homozygotes.

Submission:

GeneDx
Classification: Uncertain significance. Last evaluated: 2019-12-23. Review status: criteria provided, single submitter. Criteria: GeneDx Variant Classification Process June 2021. Collection method: clinical testing. Allele origin: germline. Affected: yes.
Comment: In silico analysis, which includes protein predictors and evolutionary conservation, supports that this variant does not alter protein structure/function; Identified in a patient with Kallmann syndrome and in a patient with normosmic congenital hypogonadotropic hypogonadism and who also harbored likely pathogenic variants in the GNRHR genes in published literature (Cassatella et al., 2018); This variant is associated with the following publications: (PMID: 29419413)

NM_018117.12(WDR11):c.1342C>T (p.Arg448Trp)

Gene: WDR11 (WD repeat domain 11; plus strand). Cytogenetic location: 10q26.12.
Variant type: single nucleotide variant.
Coding change: c.1342C>T on transcript NM_018117.12 (MANE Select); coding-DNA position 1342, C replaced by T.
Protein change: p.Arg448Trp; replaces arginine 448 with tryptophan.
Molecular consequence: missense variant.
Genome position (GRCh38, 1-based): chr10:120,871,217, C>T. VCF-style: chr10-120871217-C-T. GRCh37 (hg19) VCF-style: chr10-122630729-C-T.
Other names: short protein forms R448W.
Identifiers: ClinVar variation 1304030 (VCV001304030.2), dbSNP rs139749005, ClinGen allele CA5719701.
Genomic context (GRCh38, chr10:120,871,217, plus strand): 5'-TATTACAAATCAGGGCAAAGTGCAATTGCTGGGGAAGAACATCCCAGAGGTTCAATTCTG[C>T]GGGAAGTGCACCTCAAGTTCCTGCTGACGGGACTGCTTTCAGGACTGCCCGCACCACAGT-3'
Protein context (NP_060587.8, residues 438-458): GEEHPRGSIL[Arg448Trp]EVHLKFLLTG